The following is an entry in ClinVar:

NM_001276270.2(MBD4):c.1543+1G>A

Gene: MBD4 (methyl-CpG binding domain 4, DNA glycosylase; minus strand). Cytogenetic location: 3q21.3.
Variant type: single nucleotide variant.
Coding change: c.1543+1G>A on transcript NM_001276270.2 (MANE Select); the canonical splice donor site of the intron after coding-DNA position 1543, G replaced by A.
Molecular consequence: splice donor variant.
Genome position (GRCh38, 1-based): chr3:129,433,097, C>T on the plus strand (G>A on the coding strand, the complement: MBD4 is on the minus strand). VCF-style: chr3-129433097-C-T. GRCh37 (hg19) VCF-style: chr3-129151940-C-T.
Other names: c.607+1G>A (NM_001276273.2); c.1561+1G>A (NM_001276272.2, NM_003925.3, NM_001276271.2).
Identifiers: ClinVar variation 3646697 (VCV003646697.2).
Genomic context (GRCh38, chr3:129,433,097, plus strand): 5'-TGTGGCTCTCTTAAATAAGCACAATGTATTATGTTTTTCCTTTGGGTGTATAGGAAAATA[C>T]CTGAGAACTTGACAATGGTTTTTGCCCGAAGATCGTAGAGACCAAGAGGTTTAAGAAGTT-3'

ClinVar aggregate classification (germline): Likely pathogenic (1 of 4 stars; one submission).

gnomAD v4.1: 2 of 1,614,136 alleles (0.00012%); highest among the groups gnomAD compares: Non-Finnish European, 0.00017%; no homozygotes.

Submission:

Labcorp Genetics (formerly Invitae), Labcorp
Classification: Likely pathogenic. Last evaluated: 2024-03-19. Review status: criteria provided, single submitter. Criteria: Invitae Variant Classification Sherloc (09022015). Collection method: clinical testing. Allele origin: germline.
Comment: This sequence change affects a donor splice site in intron 6 of the MBD4 gene. It is expected to disrupt RNA splicing. Variants that disrupt the donor or acceptor splice site typically lead to a loss of protein function (PMID: 16199547), and loss-of-function variants in MBD4 are known to be pathogenic (PMID: 30049810, 35460607). This variant is not present in population databases (gnomAD no frequency). This variant has not been reported in the literature in individuals affected with MBD4-related conditions. Algorithms developed to predict the effect of sequence changes on RNA splicing suggest that this variant may disrupt the consensus splice site. In summary, the currently available evidence indicates that the variant is pathogenic, but additional data are needed to prove that conclusively. Therefore, this variant has been classified as Likely Pathogenic.

Literature cited by the submitters: PubMed 16199547; PubMed 30049810; PubMed 35460607.